The following is an entry in ClinVar:

NM_000642.3(AGL):c.4578_4579insTTTTTTTTTTTTTTTTTTTTNNNNNNNNNNGGCGGGGGGCTGCTCCGTGCCCTCGGGCCCCGCGGGGCCCGTCCGCTCCTCCAGCCGCTGCCTCCCGGGCGGCCAATTGCTACTATTCTT (p.Leu1526_Glu1527insPhePhePhePhePhePheXaaXaaXaaXaaGlyGlyGlyLeuLeuArgAlaLeuGlyProArgGlyAlaArgProLeuLeuGlnProLeuProProGlyArgProIleAlaThrIleLeu)

Gene: AGL (amylo-alpha-1,6-glucosidase and 4-alpha-glucanotransferase; plus strand). Cytogenetic location: 1p21.2.
Variant type: Insertion.
Coding change: c.4578_4579insTTTTTTTTTTTTTTTTTTTTNNNNNNNNNNGGCGGGGGGCTGCTCCGTGCCCTCGGGCCCCGCGGGGCCCGTCCGCTCCTCCAGCCGCTGCCTCCCGGGCGGCCAATTGCTACTATTCTT on transcript NM_000642.3 (MANE Select); coding-DNA positions 4578 to 4579, TTTTTTTTTTTTTTTTTTTTNNNNNNNNNNGGCGGGGGGCTGCTCCGTGCCCTCGGGCCCCGCGGGGCCCGTCCGCTCCTCCAGCCGCTGCCTCCCGGGCGGCCAATTGCTACTATTCTT inserted.
Protein change: p.Leu1526_Glu1527insPhePhePhePhePhePheXaaXaaXaaXaaGlyGlyGlyLeuLeuArgAlaLeuGlyProArgGlyAlaArgProLeuLeuGlnProLeuProProGlyArgProIleAlaThrIleLeu.
Molecular consequence: inframe insertion. On other transcripts: inframe indel (10).
Genome position: GRCh38: chr1:99,921,630-99,921,631. GRCh37 (hg19): chr1:100,387,186-100,387,187.
Other names: c.4557_4558insTTTTTTTTTTTTTTTTTTTTNNNNNNNNNNGGCGGGGGGCTGCTCCGTGCCCTCGGGCCCCGCGGGGCCCGTCCGCTCCTCCAGCCGCTGCCTCCCGGGCGGCCAATTGCTACTATTCTT, p.Leu1519_Glu1520insPhePhePhePhePhePheXaaXaaXaaXaaGlyGlyGlyLeuLeuArgAlaLeuGlyProArgGlyAlaArgProLeuLeuGlnProLeuProProGlyArgProIleAlaThrIleLeu (NM_001425326.1); c.4578_4579insTTTTTTTTTTTTTTTTTTTTNNNNNNNNNNGGCGGGGGGCTGCTCCGTGCCCTCGGGCCCCGCGGGGCCCGTCCGCTCCTCCAGCCGCTGCCTCCCGGGCGGCCAATTGCTACTATTCTT, p.Leu1526_Glu1527insPhePhePhePhePhePheXaaXaaXaaXaaGlyGlyGlyLeuLeuArgAlaLeuGlyProArgGlyAlaArgProLeuLeuGlnProLeuProProGlyArgProIleAlaThrIleLeu (NM_000028.3, NM_000643.3, NM_000644.3 and 1 more transcripts); c.4530_4531insTTTTTTTTTTTTTTTTTTTTNNNNNNNNNNGGCGGGGGGCTGCTCCGTGCCCTCGGGCCCCGCGGGGCCCGTCCGCTCCTCCAGCCGCTGCCTCCCGGGCGGCCAATTGCTACTATTCTT, p.Leu1510_Glu1511insPhePhePhePhePhePheXaaXaaXaaXaaGlyGlyGlyLeuLeuArgAlaLeuGlyProArgGlyAlaArgProLeuLeuGlnProLeuProProGlyArgProIleAlaThrIleLeu (NM_000646.3); c.4377_4378insTTTTTTTTTTTTTTTTTTTTNNNNNNNNNNGGCGGGGGGCTGCTCCGTGCCCTCGGGCCCCGCGGGGCCCGTCCGCTCCTCCAGCCGCTGCCTCCCGGGCGGCCAATTGCTACTATTCTT, p.Leu1459_Glu1460insPhePhePhePhePhePheXaaXaaXaaXaaGlyGlyGlyLeuLeuArgAlaLeuGlyProArgGlyAlaArgProLeuLeuGlnProLeuProProGlyArgProIleAlaThrIleLeu (NM_001425327.1); c.4374_4375insTTTTTTTTTTTTTTTTTTTTNNNNNNNNNNGGCGGGGGGCTGCTCCGTGCCCTCGGGCCCCGCGGGGCCCGTCCGCTCCTCCAGCCGCTGCCTCCCGGGCGGCCAATTGCTACTATTCTT, p.Leu1458_Glu1459insPhePhePhePhePhePheXaaXaaXaaXaaGlyGlyGlyLeuLeuArgAlaLeuGlyProArgGlyAlaArgProLeuLeuGlnProLeuProProGlyArgProIleAlaThrIleLeu (NM_001425328.1); c.4239_4240insTTTTTTTTTTTTTTTTTTTTNNNNNNNNNNGGCGGGGGGCTGCTCCGTGCCCTCGGGCCCCGCGGGGCCCGTCCGCTCCTCCAGCCGCTGCCTCCCGGGCGGCCAATTGCTACTATTCTT, p.Leu1413_Glu1414insPhePhePhePhePhePheXaaXaaXaaXaaGlyGlyGlyLeuLeuArgAlaLeuGlyProArgGlyAlaArgProLeuLeuGlnProLeuProProGlyArgProIleAlaThrIleLeu (NM_001425329.1); c.4200_4201insTTTTTTTTTTTTTTTTTTTTNNNNNNNNNNGGCGGGGGGCTGCTCCGTGCCCTCGGGCCCCGCGGGGCCCGTCCGCTCCTCCAGCCGCTGCCTCCCGGGCGGCCAATTGCTACTATTCTT, p.Leu1400_Glu1401insPhePhePhePhePhePheXaaXaaXaaXaaGlyGlyGlyLeuLeuArgAlaLeuGlyProArgGlyAlaArgProLeuLeuGlnProLeuProProGlyArgProIleAlaThrIleLeu (NM_001425332.1).
Identifiers: ClinVar variation 2125437 (VCV002125437.4), dbSNP rs2523917516.

ClinVar aggregate classification (germline): Uncertain significance (1 of 4 stars; one submission).

Conditions:
Glycogen storage disease type III (GSD3). Also called: Cori disease; FORBES DISEASE. Identifiers: Orphanet 366, MedGen C0017922, MONDO:0009291, OMIM 232400.

Submission:

Labcorp Genetics (formerly Invitae), Labcorp
Classification: Uncertain significance for Glycogen storage disease type III. Last evaluated: 2023-08-17. Review status: criteria provided, single submitter. Criteria: Invitae Variant Classification Sherloc (09022015). Collection method: clinical testing. Allele origin: germline.
Comment: This sequence change inserts a large fragment of DNA, likely a transposable element, in exon 34 of the AGL gene (c.4578_4579ins?), causing a frameshift at codon 1526 (p.Leu1526fs). The exact size and sequence of the insertion cannot be determined by the current assay. However, the insertion is expected to result in an absent or disrupted protein product. This variant is not present in population databases (gnomAD no frequency). This variant has not been reported in the literature in individuals affected with AGL-related conditions. In summary, the available evidence is currently insufficient to determine the role of this variant in disease. Therefore, it has been classified as a Variant of Uncertain Significance. Retrotransposon insertions including LINE1 (L1), Alu, and SVA (SINE-VNTR-Alu) have been reported to disrupt protein function (PMID: 19763152, 20307669, 22406018). However the effect of this particular variant is unknown. ClinVar contains an entry for this variant (Variation ID: 2125437).

Literature cited by the submitters: PubMed 19763152; PubMed 20307669; PubMed 22406018.